The following is an entry in ClinVar:

NM_001102401.4(TTI2):c.496C>G (p.Pro166Ala)

Gene: TTI2 (TELO2 interacting protein 2; minus strand). Cytogenetic location: 8p12.
Variant type: single nucleotide variant.
Coding change: c.496C>G on transcript NM_001102401.4 (MANE Select); coding-DNA position 496, C replaced by G.
Protein change: p.Pro166Ala; replaces proline 166 with alanine.
Molecular consequence: missense variant.
Genome position (GRCh38, 1-based): chr8:33,512,118, G>C on the plus strand (C>G on the coding strand, the complement: TTI2 is on the minus strand). VCF-style: chr8-33512118-G-C. GRCh37 (hg19) VCF-style: chr8-33369636-G-C.
Other names: c.496C>G, p.Pro166Ala (NM_001265581.2, NM_001330505.3, NM_001440381.1 and 1 more transcripts); short protein forms P166A.
Identifiers: ClinVar variation 5008308 (VCV005008308.1).

ClinVar aggregate classification (germline): Uncertain significance (1 of 4 stars; one submission).

gnomAD v4.1: 7 of 1,614,098 alleles (0.00043%); highest among the groups gnomAD compares: Admixed American, 0.012%; no homozygotes.

Submission:

GeneDx
Classification: Uncertain significance. Last evaluated: 2026-03-01. Review status: criteria provided, single submitter. Criteria: GeneDx Variant Classification Process June 2021. Collection method: clinical testing. Allele origin: germline.
Comment: In silico analysis suggests that this missense variant does not alter protein structure/function; Has not been previously published as pathogenic or benign to our knowledge